The following is an entry in ClinVar:

ClinVar aggregate classification (germline): Uncertain significance. Review status: criteria provided, multiple submitters, no conflicts (2 of 4 stars). 5 submissions from 5 submitters: Uncertain significance (5). Last evaluated 2026-05-23.

Conditions:
Aicardi-Goutieres syndrome 4. Identifiers: Orphanet 51, MedGen C1835912, MONDO:0012472, OMIM 610333.
RNASEH2A-related disorder. Also called: RNASEH2A-related condition.

Allele frequency attached by ClinVar (database versions not stated): gnomAD exomes 0.00004 and 0.00005; gnomAD 0.00006; TOPMed 0.00006; ExAC 0.00008.
gnomAD v4.1: 72 of 1,613,620 alleles (0.0045%); highest among the groups gnomAD compares: Admixed American, 0.0067%; no homozygotes.

Submissions (5):

PreventionGenetics, part of Exact Sciences
Classification: Uncertain significance for RNASEH2A-related condition. Last evaluated: 2026-05-23. Review status: criteria provided, single submitter. Criteria: ACMG Guidelines, 2015. Collection method: clinical testing. Allele origin: germline.
Comment: The RNASEH2A c.880G>A variant is predicted to result in the amino acid substitution p.Glu294Lys. This variant, along with the p.Glu75Gln variant, was reported in an individual with systemic lupus erythematosus (Günther et al. 2014. PubMed ID: 25500883). This variant is reported in 0.010% of alleles in individuals of European (Non-Finnish) descent in gnomAD. At this time, the clinical significance of this variant is uncertain due to the absence of conclusive functional and genetic evidence.

Labcorp Genetics (formerly Invitae), Labcorp
Classification: Uncertain significance for Aicardi-Goutieres syndrome 4. Last evaluated: 2025-12-21. Review status: criteria provided, single submitter. Criteria: Invitae Variant Classification Sherloc (09022015). Collection method: clinical testing. Allele origin: germline.
Comment: This sequence change replaces glutamic acid, which is acidic and polar, with lysine, which is basic and polar, at codon 294 of the RNASEH2A protein (p.Glu294Lys). This variant is present in population databases (rs764614950, gnomAD 0.009%). This missense change has been observed in individual(s) with clinical features of systemic lupus erythematosus (PMID: 25500883). ClinVar contains an entry for this variant (Variation ID: 863226). An algorithm developed to predict the effect of missense changes on protein structure and function (PolyPhen-2) suggests that this variant is likely to be tolerated. Experimental studies are conflicting or provide insufficient evidence to determine the effect of this variant on RNASEH2A function (PMID: 25500883). In summary, the available evidence is currently insufficient to determine the role of this variant in disease. Therefore, it has been classified as a Variant of Uncertain Significance.

Women's Health and Genetics/Laboratory Corporation of America, LabCorp
Classification: Uncertain significance. Last evaluated: 2025-07-16. Review status: criteria provided, single submitter. Criteria: LabCorp Variant Classification Summary - May 2015. Collection method: clinical testing. Allele origin: germline.
Comment: Variant summary: RNASEH2A c.880G>A (p.Glu294Lys) results in a conservative amino acid change in the encoded protein sequence. Algorithms developed to predict the effect of missense changes on protein structure and function are either unavailable or do not agree on the potential impact of this missense change. The variant allele was found at a frequency of 5.2e-05 in 250846 control chromosomes (gnomAD). This frequency is not significantly higher than the maximum estimated for a pathogenic variant in RNASEH2A causing Aicardi-Goutieres syndrome 4, allowing no conclusion about variant significance. The variant, c.880G>A, has been observed in a heterozygous individual affected with systemic lupus erythematosus (SLE), however authors reported that the p.Glu294Lys variant occurred in cis (i.e. on the same allele) with p.Glu75Gln (Gunther_2015). Of note, variant co-occurrence analysis in gnomAD indicates that these two missense variants (i.e. E75Q + E294K), are on the same haplotype in most individuals. Authors of this study also reported experimental evidence evaluating the impact of the complex allele (i.e. E75Q + E294K together), on protein function, and demonstrated somewhat reduced enzyme activity (with about 60% residual activity) compared to the normal (Gunther_2015). These reports do not provide unequivocal conclusions about association of the variant with Aicardi-Goutieres syndrome 4. The following publication has been ascertained in the context of this evaluation (PMID: 5500883). ClinVar contains an entry for this variant (Variation ID: 863226). Based on the evidence outlined above, the variant was classified as uncertain significance.

Blueprint Genetics
Classification: Uncertain significance. Last evaluated: 2024-11-19. Review status: criteria provided, single submitter. Criteria: ACMG Guidelines, 2015. Collection method: clinical testing. Allele origin: germline.

GeneDx
Classification: Uncertain significance. Last evaluated: 2019-12-03. Review status: criteria provided, single submitter. Criteria: GeneDx Variant Classification Process June 2021. Collection method: clinical testing. Allele origin: germline. Affected: yes.
Comment: Not observed at a significant frequency in large population cohorts (Lek et al., 2016); In silico analysis, which includes protein predictors and evolutionary conservation, supports that this variant does not alter protein structure/function; Has not been previously published as pathogenic or benign to our knowledge; This variant is associated with the following publications: (PMID: 33353557)

Literature cited by the submitters: PubMed 25500883 (cited by Labcorp Genetics (formerly Invitae), Labcorp); PubMed 5500883 (cited by Women's Health and Genetics/Laboratory Corporation of America, LabCorp).

NM_006397.3(RNASEH2A):c.880G>A (p.Glu294Lys)

Gene: RNASEH2A (ribonuclease H2 subunit A; plus strand). Cytogenetic location: 19p13.13.
Variant type: single nucleotide variant.
Coding change: c.880G>A on transcript NM_006397.3 (MANE Select); coding-DNA position 880, G replaced by A.
Protein change: p.Glu294Lys; replaces glutamic acid 294 with lysine.
Molecular consequence: missense variant.
Genome position (GRCh38, 1-based): chr19:12,813,446, G>A. VCF-style: chr19-12813446-G-A. GRCh37 (hg19) VCF-style: chr19-12924260-G-A.
Other names: short protein forms E294K.
Identifiers: ClinVar variation 863226 (VCV000863226.11), dbSNP rs764614950, ClinGen allele CA9232071.